The following is an entry in ClinVar:

NM_019066.5(MAGEL2):c.3076G>T (p.Ala1026Ser)

Gene: MAGEL2 (MAGE family member L2; minus strand). Cytogenetic location: 15q11.2.
Variant type: single nucleotide variant.
Coding change: c.3076G>T on transcript NM_019066.5 (MANE Select); coding-DNA position 3076, G replaced by T.
Protein change: p.Ala1026Ser; replaces alanine 1026 with serine.
Molecular consequence: missense variant.
Genome position (GRCh38, 1-based): chr15:23,644,667, C>A on the plus strand (G>T on the coding strand, the complement: MAGEL2 is on the minus strand). VCF-style: chr15-23644667-C-A. GRCh37 (hg19) VCF-style: chr15-23889814-C-A.
Other names: short protein forms A1026S.
Identifiers: ClinVar variation 2627298 (VCV002627298.1), dbSNP rs753331962, ClinGen allele CA7429758.

ClinVar aggregate classification (germline): Uncertain significance (1 of 4 stars; one submission).

Allele frequency attached by ClinVar (database versions not stated): gnomAD exomes below 0.00001; ExAC 0.00001.
gnomAD v4.1: 3 of 1,613,912 alleles (0.00019%); highest among the groups gnomAD compares: Non-Finnish European, 0.00025%; no homozygotes.

Submission:

Women's Health and Genetics/Laboratory Corporation of America, LabCorp
Classification: Uncertain significance. Last evaluated: 2023-09-21. Review status: criteria provided, single submitter. Criteria: LabCorp Variant Classification Summary - May 2015. Collection method: clinical testing. Allele origin: germline.
Comment: Variant summary: MAGEL2 c.3076G>T (p.Ala1026Ser) results in a conservative amino acid change in the encoded protein sequence. Two of three in-silico tools predict a benign effect of the variant on protein function. The variant allele was found at a frequency of 4e-06 in 249130 control chromosomes (gnomAD). The available data on variant occurrences in the general population are insufficient to allow any conclusion about variant significance. To our knowledge, no occurrence of c.3076G>T in individuals affected with Schaaf-Yang Syndrome and no experimental evidence demonstrating its impact on protein function have been reported. No submitters have cited clinical-significance assessments for this variant to ClinVar after 2014. Based on the evidence outlined above, the variant was classified as uncertain significance.